The following is an entry in ClinVar:

NM_033159.4(HYAL1):c.900+1G>A

Gene: HYAL1 (hyaluronidase 1; minus strand). Cytogenetic location: 3p21.31.
Variant type: single nucleotide variant.
Coding change: c.900+1G>A on transcript NM_033159.4 (MANE Select); the canonical splice donor site of the intron after coding-DNA position 900, G replaced by A.
Molecular consequence: splice donor variant.
Genome position (GRCh38, 1-based): chr3:50,302,056, C>T on the plus strand (G>A on the coding strand, the complement: HYAL1 is on the minus strand). VCF-style: chr3-50302056-C-T. GRCh37 (hg19) VCF-style: chr3-50339487-C-T.
Other names: c.900+1G>A (NM_153281.2, NM_153282.3, NM_153281.1); c.123+1G>A (NM_153285.3); c.354+1G>A (NM_153283.3).
Identifiers: ClinVar variation 2021178 (VCV002021178.6), dbSNP rs2470849538, ClinGen allele CA352891898.
Genomic context (GRCh38, chr3:50,302,056, plus strand): 5'-AGGCTGGACCTAATATCTGACAAGGCAGGTTGACAAGGTGGGCAGGTTACAGAAGACTCA[C>T]CAGGGGCAGAAAGTGGTTTGTCGTGTCATAGAAGATCTGGACATAGGGCAGCACCGGCAG-3'

ClinVar aggregate classification (germline): Likely pathogenic. Review status: criteria provided, multiple submitters, no conflicts (2 of 4 stars). 3 submissions from 3 submitters: Likely pathogenic (3). Last evaluated 2024-12-30.

Conditions:
Deficiency of hyaluronoglucosaminidase (MPS9). Also called: Mucopolysaccharidosis type 9; HYALURONIDASE DEFICIENCY; MPS IX. Identifiers: Orphanet 67041, MedGen C1291490, MONDO:0011093, OMIM 601492.

Submissions (3):

Natera, Inc.
Classification: Likely pathogenic for Mucopolysaccharidosis type IX. Last evaluated: 2024-12-30. Review status: criteria provided, single submitter. Criteria: Natera Variant Classification Schema (03/2026). Collection method: clinical testing. Allele origin: germline.
Comment: The c.900+1G>A variant in HYAL1 is a canonical splice donor site variant predicted to affect pre-mRNA splicing, which may result in an abnormal transcript and altered protein product. This variant is expected to result in nonsense mediated decay, truncation, or a dysfunctional protein product. This variant is rare in the general population with a frequency below the threshold expected for the associated phenotype(s). Given the available evidence, this variant is classified as Likely Pathogenic.

Fulgent Genetics
Classification: Likely pathogenic for Deficiency of hyaluronoglucosaminidase. Last evaluated: 2024-01-25. Review status: criteria provided, single submitter. Criteria: ACMG Guidelines, 2015. Collection method: clinical testing. Allele origin: germline.

Labcorp Genetics (formerly Invitae), Labcorp
Classification: Likely pathogenic for Deficiency of hyaluronoglucosaminidase. Last evaluated: 2023-09-29. Review status: criteria provided, single submitter. Criteria: Invitae Variant Classification Sherloc (09022015). Collection method: clinical testing. Allele origin: germline.
Comment: In summary, the currently available evidence indicates that the variant is pathogenic, but additional data are needed to prove that conclusively. Therefore, this variant has been classified as Likely Pathogenic. Algorithms developed to predict the effect of sequence changes on RNA splicing suggest that this variant may disrupt the consensus splice site. ClinVar contains an entry for this variant (Variation ID: 2021178). This variant has not been reported in the literature in individuals affected with HYAL1-related conditions. This variant is not present in population databases (gnomAD no frequency). This sequence change affects a donor splice site in intron 4 of the HYAL1 gene. It is expected to disrupt RNA splicing. Variants that disrupt the donor or acceptor splice site typically lead to a loss of protein function (PMID: 16199547), and loss-of-function variants in HYAL1 are known to be pathogenic (PMID: 10339581, 21559944).

Literature cited by the submitters: PubMed 16199547 (cited by Labcorp Genetics (formerly Invitae), Labcorp); PubMed 10339581 (cited by Labcorp Genetics (formerly Invitae), Labcorp); PubMed 21559944 (cited by Labcorp Genetics (formerly Invitae), Labcorp).